The following is an entry in ClinVar:

ClinVar aggregate classification (germline): Likely benign. Review status: criteria provided, multiple submitters, no conflicts (2 of 4 stars). 4 submissions from 4 submitters: Likely benign (3). 1 of the submissions does not count toward it. Last evaluated 2023-01-26.

Conditions:
Hereditary cancer-predisposing syndrome. Also called: Neoplastic Syndromes, Hereditary; Tumor predisposition; Hereditary Cancer Syndrome; Hereditary neoplastic syndrome. Identifiers: Orphanet 140162, MedGen C0027672, MeSH D009386, MONDO:0015356.
Gorlin syndrome. Also called: Nevoid Basal Cell Carcinoma Syndrome; Basal cell nevus syndrome. Identifiers: Orphanet 377, MedGen C0004779, MONDO:0007187.
PTCH1-related disorder. Also called: PTCH1-related disorders; PTCH1-related condition.

Allele frequency attached by ClinVar (database versions not stated): gnomAD exomes below 0.00001.
gnomAD v4.1: 2 of 1,613,162 alleles (0.00012%); highest among the groups gnomAD compares: Non-Finnish European, 0.00017%; no homozygotes.

Submissions (4):

Labcorp Genetics (formerly Invitae), Labcorp
Classification: Likely benign for Gorlin syndrome. Last evaluated: 2023-01-26. Review status: criteria provided, single submitter. Criteria: Invitae Variant Classification Sherloc (09022015). Collection method: clinical testing. Allele origin: germline.

Ambry Genetics
Classification: Likely benign for Hereditary cancer-predisposing syndrome. Last evaluated: 2020-05-18. Review status: criteria provided, single submitter. Criteria: Ambry Variant Classification Scheme 2023. Collection method: clinical testing. Allele origin: germline.

GeneDx
Classification: Likely benign. Last evaluated: 2018-02-05. Review status: criteria provided, single submitter. Criteria: GeneDx Variant Classification (06012015). Collection method: clinical testing. Allele origin: germline. Affected: yes.
Comment: This variant is considered likely benign or benign based on one or more of the following criteria: it is a conservative change, it occurs at a poorly conserved position in the protein, it is predicted to be benign by multiple in silico algorithms, and/or has population frequency not consistent with disease.

PreventionGenetics, part of Exact Sciences
Classification: Likely benign for PTCH1-related condition. Last evaluated: 2024-01-11. Review status: no assertion criteria provided. Collection method: clinical testing. Allele origin: germline. Not counted in ClinVar's aggregate classification.
Comment: This variant is classified as likely benign based on ACMG/AMP sequence variant interpretation guidelines (Richards et al. 2015 PMID: 25741868, with internal and published modifications).

NM_000264.5(PTCH1):c.3957C>T (p.Arg1319=)

Gene: PTCH1 (patched 1; minus strand). Cytogenetic location: 9q22.32.
Variant type: single nucleotide variant.
Coding change: c.3957C>T on transcript NM_000264.5 (MANE Select); coding-DNA position 3957, C replaced by T.
Protein change: p.Arg1319=; no amino-acid change (arginine 1319 retained).
Molecular consequence: synonymous variant. On other transcripts: non-coding transcript variant (1).
Genome position (GRCh38, 1-based): chr9:95,447,299, G>A on the plus strand (C>T on the coding strand, the complement: PTCH1 is on the minus strand). VCF-style: chr9-95447299-G-A. GRCh37 (hg19) VCF-style: chr9-98209581-G-A.
Other names: c.3759C>T, p.Arg1253= (NM_001083602.3); c.3954C>T, p.Arg1318= (NM_001083603.3); c.3504C>T, p.Arg1168= (NM_001083604.3, NM_001083605.3, NM_001083606.3 and 1 more transcripts); c.3801C>T, p.Arg1267= (NM_001354918.2).
Identifiers: ClinVar variation 515292 (VCV000515292.14), dbSNP rs1554688549, ClinGen allele CA466351591.
Genomic context (GRCh38, chr9:95,447,299, plus strand): 5'-CCAGCGGGCCCTATTGCTAGGGCCAGAATGCCCTTCAGTAGAAATTTCAAAAGCGTCTCT[G>A]CGCGGTCTGTAGGGGGGTGGCCACAAGCCTTCTCTGGGGGGGTCCCTGCGGGGCTGCTGG-3'
Protein context (NP_000255.2, residues 1309-1329): EGLWPPPYRP[Arg1319=]RDAFEISTEG